The following is an entry in ClinVar:

ClinVar aggregate classification (germline): Uncertain significance (1 of 4 stars; one submission).

Conditions:
Fanconi anemia (FA). Also called: Fanconi's anemia. Identifiers: Orphanet 84, MedGen C0015625, MeSH D005199, MONDO:0019391.

Allele frequency attached by ClinVar (database versions not stated): gnomAD 0.00001; TOPMed 0.00001; ExAC 0.00002.
gnomAD v4.1: 13 of 1,613,486 alleles (0.00081%); highest among the groups gnomAD compares: Non-Finnish European, 0.0011%; no homozygotes.

Submission:

Labcorp Genetics (formerly Invitae), Labcorp
Classification: Uncertain significance for Fanconi anemia. Last evaluated: 2022-08-07. Review status: criteria provided, single submitter. Criteria: Invitae Variant Classification Sherloc (09022015). Collection method: clinical testing. Allele origin: germline.
Comment: This sequence change replaces proline, which is neutral and non-polar, with serine, which is neutral and polar, at codon 637 of the FANCI protein (p.Pro637Ser). This variant is present in population databases (rs761993713, gnomAD 0.002%). This variant has not been reported in the literature in individuals affected with FANCI-related conditions. Algorithms developed to predict the effect of missense changes on protein structure and function (SIFT, PolyPhen-2, Align-GVGD) all suggest that this variant is likely to be tolerated. In summary, the available evidence is currently insufficient to determine the role of this variant in disease. Therefore, it has been classified as a Variant of Uncertain Significance.

NM_001113378.2(FANCI):c.1909C>T (p.Pro637Ser)

Gene: FANCI (FA complementation group I; plus strand). Cytogenetic location: 15q26.1.
Variant type: single nucleotide variant.
Coding change: c.1909C>T on transcript NM_001113378.2 (MANE Select); coding-DNA position 1909, C replaced by T.
Protein change: p.Pro637Ser; replaces proline 637 with serine.
Molecular consequence: missense variant.
Genome position (GRCh38, 1-based): chr15:89,291,631, C>T. VCF-style: chr15-89291631-C-T. GRCh37 (hg19) VCF-style: chr15-89834862-C-T.
Other names: c.1630C>T, p.Pro544Ser (NM_001376910.1); c.1909C>T, p.Pro637Ser (NM_001376911.1, NM_018193.3); short protein forms P544S, P637S.
Identifiers: ClinVar variation 2186266 (VCV002186266.1), dbSNP rs761993713, ClinGen allele CA7723217.